The following is an entry in ClinVar:

NM_021999.5(ITM2B):c.675C>G (p.Asp225Glu)

Gene: ITM2B (integral membrane protein 2B; plus strand). Cytogenetic location: 13q14.2.
Variant type: single nucleotide variant.
Coding change: c.675C>G on transcript NM_021999.5 (MANE Select); coding-DNA position 675, C replaced by G.
Protein change: p.Asp225Glu; replaces aspartic acid 225 with glutamic acid.
Molecular consequence: missense variant.
Genome position (GRCh38, 1-based): chr13:48,258,907, C>G. VCF-style: chr13-48258907-C-G. GRCh37 (hg19) VCF-style: chr13-48833043-C-G.
Other names: short protein forms D225E.
Identifiers: ClinVar variation 1928847 (VCV001928847.5), dbSNP rs1326070884, ClinGen allele CA388252003.

ClinVar aggregate classification (germline): Uncertain significance (1 of 4 stars; one submission).

Allele frequency attached by ClinVar (database versions not stated): gnomAD exomes below 0.00001.
gnomAD v4.1: 5 of 1,613,144 alleles (0.00031%); highest among the groups gnomAD compares: East Asian, 0.0022%; no homozygotes.

Submission:

Labcorp Genetics (formerly Invitae), Labcorp
Classification: Uncertain significance. Last evaluated: 2022-09-27. Review status: criteria provided, single submitter. Criteria: Invitae Variant Classification Sherloc (09022015). Collection method: clinical testing. Allele origin: germline.
Comment: In summary, the available evidence is currently insufficient to determine the role of this variant in disease. Therefore, it has been classified as a Variant of Uncertain Significance. Advanced modeling of protein sequence and biophysical properties (such as structural, functional, and spatial information, amino acid conservation, physicochemical variation, residue mobility, and thermodynamic stability) performed at Invitae indicates that this missense variant is not expected to disrupt ITM2B protein function. This variant has not been reported in the literature in individuals affected with ITM2B-related conditions. This variant is present in population databases (no rsID available, gnomAD 0.006%). This sequence change replaces aspartic acid, which is acidic and polar, with glutamic acid, which is acidic and polar, at codon 225 of the ITM2B protein (p.Asp225Glu).